The following is an entry in ClinVar:

ClinVar aggregate classification (germline): Likely benign. Review status: criteria provided, multiple submitters, no conflicts (2 of 4 stars). 2 submissions from 2 submitters: Likely benign (2). Last evaluated 2022-12-07.

Allele frequency attached by ClinVar (database versions not stated): gnomAD 0.00001 and 0.00005; TOPMed 0.00006; ESP Exome Variant Server 0.00008; gnomAD exomes 0.00008 and 0.00010; ExAC 0.00010; 1000 Genomes Project 30x 0.00016; 1000 Genomes Project 0.00020.
gnomAD v4.1: 126 of 1,613,984 alleles (0.0078%); highest among the groups gnomAD compares: South Asian, 0.064%; 2 homozygotes.

Submissions (2):

Labcorp Genetics (formerly Invitae), Labcorp
Classification: Likely benign. Last evaluated: 2022-12-07. Review status: criteria provided, single submitter. Criteria: Invitae Variant Classification Sherloc (09022015). Collection method: clinical testing. Allele origin: germline.

Laboratory for Molecular Medicine, Mass General Brigham Personalized Medicine
Classification: Likely benign. Last evaluated: 2017-08-23. Review status: criteria provided, single submitter. Criteria: LMM Criteria. Collection method: clinical testing. Allele origin: germline. Observed: 1 variant allele.
Comment: p.His400His in exon 6 of ADCY1: This variant is not expected to have clinical si gnificance because it does not alter an amino acid residue and is not located wi thin the splice consensus sequence. It has been identified in 0.06% (10/15574) o f South Asian chromosomes by the Exome Aggregation Consortium (ExAC .; dbSNP rs369432043).

NM_021116.4(ADCY1):c.1200C>T (p.His400=)

Gene: ADCY1 (adenylate cyclase 1; plus strand). Cytogenetic location: 7p12.3.
Variant type: single nucleotide variant.
Coding change: c.1200C>T on transcript NM_021116.4 (MANE Select); coding-DNA position 1200, C replaced by T.
Protein change: p.His400=; no amino-acid change (histidine 400 retained).
Molecular consequence: synonymous variant.
Genome position (GRCh38, 1-based): chr7:45,657,778, C>T. VCF-style: chr7-45657778-C-T. GRCh37 (hg19) VCF-style: chr7-45697377-C-T.
Other names: c.525C>T, p.His175= (NM_001281768.2).
Identifiers: ClinVar variation 667063 (VCV000667063.7), dbSNP rs369432043, ClinGen allele CA4248893.